The following is an entry in ClinVar:

ClinVar aggregate classification (germline): Uncertain significance (1 of 4 stars; one submission).

gnomAD v4.1: 1 of 1,614,048 alleles (0.000062%); highest among the groups gnomAD compares: Non-Finnish European, 0.000085%; no homozygotes.

Submission:

Labcorp Genetics (formerly Invitae), Labcorp
Classification: Uncertain significance. Last evaluated: 2025-02-11. Review status: criteria provided, single submitter. Criteria: Invitae Variant Classification Sherloc (09022015). Collection method: clinical testing. Allele origin: germline.
Comment: This sequence change replaces isoleucine, which is neutral and non-polar, with methionine, which is neutral and non-polar, at codon 215 of the CDH2 protein (p.Ile215Met). This variant is not present in population databases (gnomAD no frequency). This variant has not been reported in the literature in individuals affected with CDH2-related conditions. An algorithm developed to predict the effect of missense changes on protein structure and function (PolyPhen-2) suggests that this variant is likely to be disruptive. In summary, the available evidence is currently insufficient to determine the role of this variant in disease. Therefore, it has been classified as a Variant of Uncertain Significance.

NM_001792.5(CDH2):c.645C>G (p.Ile215Met)

Gene: CDH2 (cadherin 2; minus strand). Cytogenetic location: 18q12.1.
Variant type: single nucleotide variant.
Coding change: c.645C>G on transcript NM_001792.5 (MANE Select); coding-DNA position 645, C replaced by G.
Protein change: p.Ile215Met; replaces isoleucine 215 with methionine.
Molecular consequence: missense variant.
Genome position (GRCh38, 1-based): chr18:28,009,774, G>C on the plus strand (C>G on the coding strand, the complement: CDH2 is on the minus strand). VCF-style: chr18-28009774-G-C. GRCh37 (hg19) VCF-style: chr18-25589738-G-C.
Other names: c.552C>G, p.Ile184Met (NM_001308176.2); short protein forms I184M, I215M.
Identifiers: ClinVar variation 3619559 (VCV003619559.2).
Genomic context (GRCh38, chr18:28,009,774, plus strand): 5'-TACATGAAACCGGGCTATCTGCTCGCGATCCAGGGGCTTTGTCACCGACAGCTGACCCGA[G>C]ATGGGGTTGATAATGAAGATACCAGTTGGAGGCTGGTCAGCTCCTGGCCCAGTTACACTG-3'
Protein context (NP_001783.2, residues 205-225): PPTGIFIINP[Ile215Met]SGQLSVTKPL